The following is an entry in ClinVar:

ClinVar aggregate classification (germline): Likely benign (1 of 4 stars; one submission).

Submission:

CeGaT Center for Human Genetics Tuebingen
Classification: Likely benign. Last evaluated: 2022-10-01. Review status: criteria provided, single submitter. Criteria: CeGaT Center For Human Genetics Tuebingen Variant Classification Criteria Version 2. Collection method: clinical testing. Allele origin: germline. Affected: yes. Observed: 1 variant allele.
Comment: MSTO1: PM2:Supporting, BP4, BP7

NM_018116.4(MSTO1):c.1663C>T (p.Leu555=)

Gene: MSTO1 (misato mitochondrial distribution and morphology regulator 1; plus strand). Cytogenetic location: 1q22.
Variant type: single nucleotide variant.
Coding change: c.1663C>T on transcript NM_018116.4 (MANE Select); coding-DNA position 1663, C replaced by T.
Protein change: p.Leu555=; no amino-acid change (leucine 555 retained).
Molecular consequence: synonymous variant. On other transcripts: non-coding transcript variant (6), 3 prime UTR variant (6).
Genome position (GRCh38, 1-based): chr1:155,614,223, C>T. VCF-style: chr1-155614223-C-T. GRCh37 (hg19) VCF-style: chr1-155584014-C-T.
Other names: c.1660C>T, p.Leu554= (NM_001256532.1); c.1627C>T, p.Leu543= (NM_001256533.1); c.1630C>T, p.Leu544= (NM_001350772.1); c.*23C>T (NM_001350773.1, NM_001350774.1, NM_001350775.1 and 3 more transcripts); c.1498C>T, p.Leu500= (NM_001350776.1); c.1132C>T, p.Leu378= (NM_001350777.1, NM_001350778.1, NM_001350779.1); c.1129C>T, p.Leu377= (NM_001350780.1, NM_001350781.1, NM_001350782.1); c.1126C>T, p.Leu376= (NM_001350783.1); and 2 more.
Identifiers: ClinVar variation 2639433 (VCV002639433.24), dbSNP rs761284277, ClinGen allele CA421034371.